The following is an entry in ClinVar:

ClinVar aggregate classification (germline): Uncertain significance (1 of 4 stars; one submission).

Conditions:
Primary erythromelalgia. Also called: SCN9A Erythromelalgia (SCN9A-EM); primary erythermalgia. Identifiers: Orphanet 306577, Orphanet 90026, MedGen C0014805, MONDO:0007571, OMIM 133020.

Submission:

MVZ Medizinische Genetik Mainz
Classification: Uncertain significance for Primary erythromelalgia. Last evaluated: 2023-10-13. Review status: criteria provided, single submitter. Criteria: UK Practice Guidelines For Variant Classification V4 01 2020. Collection method: clinical testing. Allele origin: germline. Inheritance: Autosomal dominant inheritance. Affected: yes. Observed: 1 variant allele.
Comment: ACMG Criteria: PP3_MOD,PM2_SUP

NM_001365536.1(SCN9A):c.5060G>A (p.Ser1687Asn)

Genes: SCN1A-AS1 (SCN1A and SCN9A antisense RNA 1; plus strand), SCN9A (sodium voltage-gated channel alpha subunit 9; minus strand). Cytogenetic location: 2q24.3.
Variant type: single nucleotide variant.
Coding change: c.5060G>A on transcript NM_001365536.1 (MANE Select); coding-DNA position 5060, G replaced by A.
Protein change: p.Ser1687Asn; replaces serine 1687 with asparagine.
Molecular consequence: missense variant.
Genome position (GRCh38, 1-based): chr2:166,199,579, C>T on the plus strand (G>A on the coding strand, the complement: SCN9A is on the minus strand). VCF-style: chr2-166199579-C-T. GRCh37 (hg19) VCF-style: chr2-167056089-C-T.
Other names: c.5027G>A, p.Ser1676Asn (NM_002977.4); short protein forms S1676N, S1687N.
Identifiers: ClinVar variation 3236177 (VCV003236177.1), dbSNP rs2468878103, ClinGen allele CA349054802.